The following is an entry in ClinVar:

ClinVar aggregate classification (germline): Likely benign. Review status: criteria provided, multiple submitters, no conflicts (2 of 4 stars). 3 submissions from 3 submitters: Likely benign (3). Last evaluated 2026-01-26.

Conditions:
Familial thoracic aortic aneurysm and aortic dissection (TAAD). Also called: Thoracic aortic aneurysms and dissections. Identifiers: Orphanet 91387, MedGen C4707243, MONDO:0019625.
Ehlers-Danlos syndrome, kyphoscoliotic type 1 (EDSKSCL1). Also called: PLOD1-Related Kyphoscoliotic Ehlers-Danlos Syndrome; EHLERS-DANLOS SYNDROME, OCULAR-SCOLIOTIC TYPE; Ehlers-Danlos syndrome, hydroxylysine-deficient; EHLERS-DANLOS SYNDROME, TYPE VIA. Identifiers: Orphanet 1900, MedGen C0268342, MONDO:0016002, OMIM 225400. Disease mechanism: loss of function.

Allele frequency attached by ClinVar (database versions not stated): ExAC 0.00002; gnomAD exomes 0.00002; gnomAD 0.00003; TOPMed 0.00003; 1000 Genomes Project 30x 0.00016; 1000 Genomes Project 0.00020.
gnomAD v4.1: 28 of 1,611,394 alleles (0.0017%); highest among the groups gnomAD compares: East Asian, 0.0067%; no homozygotes.

Submissions (3):

Labcorp Genetics (formerly Invitae), Labcorp
Classification: Likely benign for Ehlers-Danlos syndrome, kyphoscoliotic type 1. Last evaluated: 2026-01-26. Review status: criteria provided, single submitter. Criteria: Invitae Variant Classification Sherloc (09022015). Collection method: clinical testing. Allele origin: germline.

Ambry Genetics
Classification: Likely benign for Familial thoracic aortic aneurysm and aortic dissection. Last evaluated: 2024-12-31. Review status: criteria provided, single submitter. Criteria: Ambry Variant Classification Scheme 2023. Collection method: clinical testing. Allele origin: germline.

Women's Health and Genetics/Laboratory Corporation of America, LabCorp
Classification: Likely benign. Last evaluated: 2024-08-13. Review status: criteria provided, single submitter. Criteria: LabCorp Variant Classification Summary - May 2015. Collection method: clinical testing. Allele origin: germline.
Comment: Variant summary: PLOD1 c.729C>T alters a conserved nucleotide resulting in a synonymous change. Consensus agreement among computation tools predict no significant impact on normal splicing. However, these predictions have yet to be confirmed by functional studies. The variant allele was found at a frequency of 2e-05 in 251410 control chromosomes. The available data on variant occurrences in the general population are insufficient to allow any conclusion about variant significance. To our knowledge, no occurrence of c.729C>T in individuals affected with Ehlers-Danlos Syndrome Type VI and no experimental evidence demonstrating its impact on protein function have been reported. ClinVar contains an entry for this variant (Variation ID: 2886638). Based on the evidence outlined above, the variant was classified as likely benign.

NM_000302.4(PLOD1):c.729C>T (p.Asn243=)

Gene: PLOD1 (procollagen-lysine,2-oxoglutarate 5-dioxygenase 1; plus strand). Cytogenetic location: 1p36.22.
Variant type: single nucleotide variant.
Coding change: c.729C>T on transcript NM_000302.4 (MANE Select); coding-DNA position 729, C replaced by T.
Protein change: p.Asn243=; no amino-acid change (asparagine 243 retained).
Molecular consequence: synonymous variant.
Genome position (GRCh38, 1-based): chr1:11,957,002, C>T. VCF-style: chr1-11957002-C-T. GRCh37 (hg19) VCF-style: chr1-12017059-C-T.
Other names: c.729C>T (NM_000302.3); c.870C>T, p.Asn290= (NM_001316320.2).
Identifiers: ClinVar variation 2886638 (VCV002886638.5), dbSNP rs567164584, ClinGen allele CA598061.